The following is an entry in ClinVar:

ClinVar aggregate classification (germline): Conflicting classifications of pathogenicity. Review status: criteria provided, conflicting classifications (1 of 4 stars). 3 submissions from 3 submitters: Uncertain significance (1); Likely benign (1). 1 of the submissions does not count toward it. Last evaluated 2026-01-16.

Conditions:
CYP7B1-related disorder. Also called: CYP7B1-related condition.
Spastic paraplegia. Identifiers: MedGen C0037772, HP:0001258.

Allele frequency attached by ClinVar (database versions not stated): gnomAD 0.00005; gnomAD exomes 0.00005 and 0.00009; ExAC 0.00009; TOPMed 0.00010; 1000 Genomes Project 30x 0.00016; 1000 Genomes Project 0.00020.
gnomAD v4.1: 99 of 1,613,664 alleles (0.0061%); highest among the groups gnomAD compares: East Asian, 0.029%; no homozygotes.

Submissions (3):

Labcorp Genetics (formerly Invitae), Labcorp
Classification: Likely benign for Spastic paraplegia. Last evaluated: 2026-01-16. Review status: criteria provided, single submitter. Criteria: Invitae Variant Classification Sherloc (09022015). Collection method: clinical testing. Allele origin: germline.

Eurofins Ntd Llc (ga)
Classification: Uncertain significance. Last evaluated: 2018-06-18. Review status: criteria provided, single submitter. Criteria: EGL ClinVar v180209 classification definitions. Collection method: clinical testing. Allele origin: germline. Observed: 2 variant alleles, 2 heterozygotes.

PreventionGenetics, part of Exact Sciences
Classification: Likely benign for CYP7B1-related condition. Last evaluated: 2021-12-17. Review status: no assertion criteria provided. Collection method: clinical testing. Allele origin: germline. Not counted in ClinVar's aggregate classification.
Comment: This variant is classified as likely benign based on ACMG/AMP sequence variant interpretation guidelines (Richards et al. 2015 PMID: 25741868, with internal and published modifications).

NM_004820.5(CYP7B1):c.1036T>C (p.Leu346=)

Gene: CYP7B1 (cytochrome P450 family 7 subfamily B member 1; minus strand). Cytogenetic location: 8q12.3.
Variant type: single nucleotide variant.
Coding change: c.1036T>C on transcript NM_004820.5 (MANE Select); coding-DNA position 1036, T replaced by C.
Protein change: p.Leu346=; no amino-acid change (leucine 346 retained).
Molecular consequence: synonymous variant.
Genome position (GRCh38, 1-based): chr8:64,615,047, A>G on the plus strand (T>C on the coding strand, the complement: CYP7B1 is on the minus strand). VCF-style: chr8-64615047-A-G. GRCh37 (hg19) VCF-style: chr8-65527604-A-G.
Other names: c.1036T>C (NM_004820.4); c.1036T>C, p.Leu346= (NM_001324112.2).
Identifiers: ClinVar variation 595413 (VCV000595413.17), dbSNP rs535728519, ClinGen allele CA4764087.